The following is an entry in ClinVar:

ClinVar aggregate classification (germline): Uncertain significance (1 of 4 stars; one submission).

Submission:

GeneDx
Classification: Uncertain significance. Last evaluated: 2026-02-04. Review status: criteria provided, single submitter. Criteria: GeneDx Variant Classification Process June 2021. Collection method: clinical testing. Allele origin: germline.
Comment: Not observed at significant frequency in large population cohorts (gnomAD); In silico analysis suggests that this missense variant does not alter protein structure/function; Has not been previously published as pathogenic or benign to our knowledge

NM_001348323.3(TRIP12):c.1805G>A (p.Ser602Asn)

Gene: TRIP12 (thyroid hormone receptor interactor 12; minus strand). Cytogenetic location: 2q36.3.
Variant type: single nucleotide variant.
Coding change: c.1805G>A on transcript NM_001348323.3 (MANE Select); coding-DNA position 1805, G replaced by A.
Protein change: p.Ser602Asn; replaces serine 602 with asparagine.
Molecular consequence: missense variant.
Genome position (GRCh38, 1-based): chr2:229,814,252, C>T on the plus strand (G>A on the coding strand, the complement: TRIP12 is on the minus strand). VCF-style: chr2-229814252-C-T. GRCh37 (hg19) VCF-style: chr2-230678968-C-T.
Other names: c.1805G>A, p.Ser602Asn (NM_001284214.2, NM_001348315.2, NM_001348319.1 and 11 more transcripts); c.1679G>A, p.Ser560Asn (NM_001284215.2, NM_001348316.2, NM_001348317.1 and 2 more transcripts); c.770G>A, p.Ser257Asn (NM_001284216.2); c.1718G>A, p.Ser573Asn (NM_001348332.1); c.1661G>A, p.Ser554Asn (NM_004238.3); short protein forms S257N, S554N, S560N, S573N, S602N.
Identifiers: ClinVar variation 4976187 (VCV004976187.1).